The following is an entry in ClinVar:

ClinVar aggregate classification (germline): Uncertain significance (1 of 4 stars; one submission).

Conditions:
Autosomal recessive nonsyndromic hearing loss 18B. Also called: Deafness, autosomal recessive 18b. Identifiers: Orphanet 90636, MedGen C3554163, MONDO:0013985, OMIM 614945.

Allele frequency attached by ClinVar (database versions not stated): gnomAD exomes below 0.00001.
gnomAD v4.1: 1 of 1,550,376 alleles (0.000065%); highest among the groups gnomAD compares: East Asian, 0.0024%; no homozygotes.

Submission:

Baylor Genetics
Classification: Uncertain significance for Autosomal recessive nonsyndromic hearing loss 18B. Last evaluated: 2018-06-25. Review status: criteria provided, single submitter. Criteria: ACMG Guidelines, 2015. Collection method: clinical testing. Allele origin: unknown. Affected: yes.
Comment: This variant was determined to be of uncertain significance according to ACMG Guidelines, 2015 [PMID:25741868].

NM_001292063.2(OTOG):c.2542A>T (p.Ile848Phe)

Gene: OTOG (otogelin; plus strand). Cytogenetic location: 11p15.1.
Variant type: single nucleotide variant.
Coding change: c.2542A>T on transcript NM_001292063.2 (MANE Select); coding-DNA position 2542, A replaced by T.
Protein change: p.Ile848Phe; replaces isoleucine 848 with phenylalanine.
Molecular consequence: missense variant.
Genome position (GRCh38, 1-based): chr11:17,576,611, A>T. VCF-style: chr11-17576611-A-T. GRCh37 (hg19) VCF-style: chr11-17598158-A-T.
Other names: c.2578A>T, p.Ile860Phe (NM_001277269.2); short protein forms I860F, I848F.
Identifiers: ClinVar variation 1033813 (VCV001033813.1), dbSNP rs1852532958, ClinGen allele CA379773761.
Genomic context (GRCh38, chr11:17,576,611, plus strand): 5'-TATAGGAACCAGTGCTCCTGCCACTTCCAGGGAGTGGACTATCCCCCCGGAGACAGTGAC[A>T]TCCCATCCCTGGGCCACTGGTGAGCTCCGTAGGTAGCAGCCTTCTTGTCCTCTCTTTAAA-3'
Protein context (NP_001278992.1, residues 838-858): GVDYPPGDSD[Ile848Phe]PSLGHCHCKD